The following is an entry in ClinVar:

NM_000256.3(MYBPC3):c.1927G>T (p.Glu643Ter)

Gene: MYBPC3 (myosin binding protein C3; minus strand). Cytogenetic location: 11p11.2.
Variant type: single nucleotide variant.
Coding change: c.1927G>T on transcript NM_000256.3 (MANE Select); coding-DNA position 1927, G replaced by T.
Protein change: p.Glu643Ter; replaces glutamic acid 643 with a stop codon.
Molecular consequence: nonsense.
Genome position (GRCh38, 1-based): chr11:47,341,003, C>A on the plus strand (G>T on the coding strand, the complement: MYBPC3 is on the minus strand). VCF-style: chr11-47341003-C-A. GRCh37 (hg19) VCF-style: chr11-47362554-C-A.
Other names: c.1927G>T, p.Glu643Ter (LRG_386t1); short protein forms E643*.
Identifiers: ClinVar variation 520359 (VCV000520359.6), dbSNP rs1555121871, ClinGen allele CA380323208.

ClinVar aggregate classification (germline): Pathogenic (1 of 4 stars; one submission).

Conditions:
Cardiovascular phenotype. Identifiers: MedGen CN230736.

Submission:

Ambry Genetics
Classification: Pathogenic for Cardiovascular phenotype. Last evaluated: 2025-06-13. Review status: criteria provided, single submitter. Criteria: Ambry Variant Classification Scheme 2023. Collection method: clinical testing. Allele origin: germline.
Comment: The p.E643* pathogenic mutation (also known as c.1927G>T), located in coding exon 20 of the MYBPC3 gene, results from a G to T substitution at nucleotide position 1927. This changes the amino acid from a glutamic acid to a stop codon within coding exon 20. This variant was reported in individual(s) with features consistent with MYBPC3-related cardiomyopathy (Ambry internal data). This variant is considered to be rare based on population cohorts in the Genome Aggregation Database (gnomAD). This alteration is expected to result in loss of function by premature protein truncation or nonsense-mediated mRNA decay. As such, this alteration is interpreted as a disease-causing mutation.